The following is an entry in ClinVar:

ClinVar aggregate classification (germline): Uncertain significance (1 of 4 stars; one submission).

Conditions:
Inborn genetic diseases. Identifiers: MedGen C0950123, MeSH D030342.

gnomAD v4.1: 1 of 1,614,130 alleles (0.000062%); highest among the groups gnomAD compares: Admixed American, 0.0017%; no homozygotes.

Submission:

Ambry Genetics
Classification: Uncertain significance for Inborn genetic diseases. Last evaluated: 2024-12-10. Review status: criteria provided, single submitter. Criteria: Ambry Variant Classification Scheme 2023. Collection method: clinical testing. Allele origin: germline.
Comment: The p.P158S variant (also known as c.472C>T), located in coding exon 3 of the HAX1 gene, results from a C to T substitution at nucleotide position 472. The proline at codon 158 is replaced by serine, an amino acid with similar properties. This amino acid position is conserved. In addition, this alteration is predicted to be tolerated by in silico analysis. Based on the available evidence, the clinical significance of this variant remains unclear.

NM_006118.4(HAX1):c.472C>T (p.Pro158Ser)

Gene: HAX1 (HCLS1 associated protein X-1; plus strand). Cytogenetic location: 1q21.3.
Variant type: single nucleotide variant.
Coding change: c.472C>T on transcript NM_006118.4 (MANE Select); coding-DNA position 472, C replaced by T.
Protein change: p.Pro158Ser; replaces proline 158 with serine.
Molecular consequence: missense variant.
Genome position (GRCh38, 1-based): chr1:154,273,929, C>T. VCF-style: chr1-154273929-C-T. GRCh37 (hg19) VCF-style: chr1-154246405-C-T.
Other names: c.328C>T, p.Pro110Ser (NM_001018837.2); short protein forms P110S, P158S.
Identifiers: ClinVar variation 3524102 (VCV003524102.1).